The following is an entry in ClinVar:

NM_006390.4(IPO8):c.3004C>A (p.Arg1002=)

Gene: IPO8 (importin 8; minus strand). Cytogenetic location: 12p11.21.
Variant type: single nucleotide variant.
Coding change: c.3004C>A on transcript NM_006390.4 (MANE Select); coding-DNA position 3004, C replaced by A.
Protein change: p.Arg1002=; no amino-acid change (arginine 1002 retained).
Molecular consequence: synonymous variant.
Genome position (GRCh38, 1-based): chr12:30,631,907, G>T on the plus strand (C>A on the coding strand, the complement: IPO8 is on the minus strand). VCF-style: chr12-30631907-G-T. GRCh37 (hg19) VCF-style: chr12-30784841-G-T.
Other names: c.2389C>A, p.Arg797= (NM_001190995.2).
Identifiers: ClinVar variation 2498550 (VCV002498550.28), dbSNP rs151232989, ClinGen allele CA479115863.

ClinVar aggregate classification (germline): Likely benign (1 of 4 stars; one submission).

Submission:

CeGaT Center for Human Genetics Tuebingen
Classification: Likely benign. Last evaluated: 2023-03-01. Review status: criteria provided, single submitter. Criteria: CeGaT Center For Human Genetics Tuebingen Variant Classification Criteria Version 2. Collection method: clinical testing. Allele origin: germline. Affected: yes. Observed: 1 variant allele.
Comment: IPO8: PM2:Supporting, BP4, BP7